The following is an entry in ClinVar:

ClinVar aggregate classification (germline): Uncertain significance. Review status: criteria provided, multiple submitters, no conflicts (2 of 4 stars). 2 submissions from 2 submitters: Uncertain significance (2). Last evaluated 2025-10-21.

Conditions:
Inborn genetic diseases. Identifiers: MedGen C0950123, MeSH D030342.

Allele frequency attached by ClinVar (database versions not stated): TOPMed below 0.00001.

Submissions (2):

Ambry Genetics
Classification: Uncertain significance for Inborn genetic diseases. Last evaluated: 2025-10-21. Review status: criteria provided, single submitter. Criteria: Ambry Variant Classification Scheme 2023. Collection method: clinical testing. Allele origin: germline.

Labcorp Genetics (formerly Invitae), Labcorp
Classification: Uncertain significance. Last evaluated: 2020-07-30. Review status: criteria provided, single submitter. Criteria: Invitae Variant Classification Sherloc (09022015). Collection method: clinical testing. Allele origin: germline.
Comment: This variant is not present in population databases (ExAC no frequency). In summary, the available evidence is currently insufficient to determine the role of this variant in disease. Therefore, it has been classified as a Variant of Uncertain Significance. Algorithms developed to predict the effect of missense changes on protein structure and function are either unavailable or do not agree on the potential impact of this missense change (SIFT: "Deleterious"; PolyPhen-2: "Benign"; Align-GVGD: "Class C0"). This variant has not been reported in the literature in individuals with EFEMP1-related conditions. This sequence change replaces valine with methionine at codon 481 of the EFEMP1 protein (p.Val481Met). The valine residue is highly conserved and there is a small physicochemical difference between valine and methionine.

NM_001039348.3(EFEMP1):c.1441G>A (p.Val481Met)

Gene: EFEMP1 (EGF-like fibulin extracellular matrix protein 1; minus strand). Cytogenetic location: 2p16.1.
Variant type: single nucleotide variant.
Coding change: c.1441G>A on transcript NM_001039348.3 (MANE Select); coding-DNA position 1441, G replaced by A.
Protein change: p.Val481Met; replaces valine 481 with methionine.
Molecular consequence: missense variant.
Genome position (GRCh38, 1-based): chr2:55,867,114, C>T on the plus strand (G>A on the coding strand, the complement: EFEMP1 is on the minus strand). VCF-style: chr2-55867114-C-T. GRCh37 (hg19) VCF-style: chr2-56094249-C-T.
Other names: c.1441G>A, p.Val481Met (NM_001039349.3); c.1441G>A (NM_001039348.2); short protein forms V481M.
Identifiers: ClinVar variation 1062070 (VCV001062070.10), dbSNP rs1668605199, ClinGen allele CA347027359.